The following is an entry in ClinVar:

ClinVar aggregate classification (germline): Benign (1 of 4 stars; one submission).

Conditions:
Exudative vitreoretinopathy 1 (EVR1). Also called: CRISWICK-SCHEPENS SYNDROME; FEVR, AUTOSOMAL DOMINANT; Familial exudative vitreoretinopathy, autosomal dominant. Identifiers: Orphanet 891, Orphanet 90050, MedGen C1851402, MONDO:0007589, OMIM 133780.

Allele frequency attached by ClinVar (database versions not stated): 1000 Genomes Project 30x 0.00156; 1000 Genomes Project 0.00180; gnomAD 0.00265 and 0.00269; TOPMed 0.00278.

Submission:

Illumina Laboratory Services, Illumina
Classification: Benign for Exudative vitreoretinopathy 1. Last evaluated: 2018-01-13. Review status: criteria provided, single submitter. Criteria: ICSL Variant Classification Criteria 13 December 2019. Collection method: clinical testing. Allele origin: germline.
Comment: This variant was observed in the ICSL laboratory as part of a predisposition screen in an ostensibly healthy population. It had not been previously curated by ICSL or reported in the Human Gene Mutation Database (HGMD: prior to June 1st, 2018), and was therefore a candidate for classification through an automated scoring system. Utilizing variant allele frequency, disease prevalence and penetrance estimates, and inheritance mode, an automated score was calculated to assess if this variant is too frequent to cause the disease. Based on the score and internal cut-off values, a variant classified as benign is not then subjected to further curation. The score for this variant resulted in a classification of benign for this disease.

NM_012193.4(FZD4):c.*2639A>G

Genes: FZD4 (frizzled class receptor 4; minus strand), PRSS23 (serine protease 23; plus strand). Cytogenetic location: 11q14.2.
Variant type: single nucleotide variant.
Coding change: c.*2639A>G on transcript NM_012193.4 (MANE Select); 2639 bases downstream of the stop codon, A replaced by G.
Molecular consequence: 3 prime UTR variant.
Genome position (GRCh38, 1-based): chr11:86,948,503, T>C on the plus strand (A>G on the coding strand, the complement: FZD4 is on the minus strand). VCF-style: chr11-86948503-T-C. GRCh37 (hg19) VCF-style: chr11-86659545-T-C.
Identifiers: ClinVar variation 306371 (VCV000306371.5), dbSNP rs145929150, ClinGen allele CA10639587.